The following is an entry in ClinVar:

ClinVar aggregate classification (germline): Pathogenic (1 of 4 stars; one submission).

Conditions:
Multiple endocrine neoplasia, type 1 (MEN1). Also called: MEN I; WERMER SYNDROME; Endocrine adenomatosis multiple; MEN 1; MEA I. Identifiers: Orphanet 652, MedGen C0025267, MeSH D018761, MONDO:0007540, OMIM 131100.

Submission:

Labcorp Genetics (formerly Invitae), Labcorp
Classification: Pathogenic for Multiple endocrine neoplasia, type 1. Last evaluated: 2019-10-16. Review status: criteria provided, single submitter. Criteria: Invitae Variant Classification Sherloc (09022015). Collection method: clinical testing. Allele origin: germline.
Comment: For these reasons, this variant has been classified as Pathogenic. This variant disrupts the C-terminus of the MEN1 protein. Other variant(s) that disrupt this region (p.Lys559Glufs*38) have been determined to be pathogenic (PMID: 10090472, 15331604, 16449969). This suggests that variants that disrupt this region of the protein are likely to be causative of disease. Algorithms developed to predict the effect of sequence changes on RNA splicing suggest that this variant may create or strengthen a splice site, but this prediction has not been confirmed by published transcriptional studies. This variant has not been reported in the literature in individuals with MEN1-related conditions. This variant is not present in population databases (ExAC no frequency). This sequence change results in a premature translational stop signal in the MEN1 gene (p.Ala403Profs*42). While this is not anticipated to result in nonsense mediated decay, it is expected to disrupt the last 208 amino acids of the MEN1 protein.

Literature cited by the submitters: PubMed 10090472; PubMed 15331604; PubMed 16449969.

NM_001370259.2(MEN1):c.1206del (p.Ala403fs)

Gene: MEN1 (menin 1; minus strand). Cytogenetic location: 11q13.1.
Variant type: Deletion.
Coding change: c.1206del on transcript NM_001370259.2 (MANE Select); coding-DNA position 1206, one base deleted (C; older notation c.1206delC).
Protein change: p.Ala403fs; shifts the reading frame from alanine 403.
Molecular consequence: frameshift variant.
Genome position (GRCh38, 1-based): chr11:64,805,178, G deleted on the plus strand (C on the coding strand, the reverse complement: MEN1 is on the minus strand); the first of 2 consecutive G bases (chr11:64,805,178-64,805,179); deleting either gives the same sequence. VCF-style (leftmost placement, unchanged base first): chr11-64805177-CG-C. GRCh37 (hg19) VCF-style: chr11-64572649-CG-C.
Other names: c.1221del, p.Ala408fs (NM_000244.4, NM_130800.3, NM_130801.3 and 3 more transcripts); c.1332del, p.Ala445fs (NM_001370251.2); c.1206del, p.Ala403fs (NM_001370260.2, NM_001370261.2, NM_130799.3); c.1101del, p.Ala368fs (NM_001370262.2, NM_001370263.2); short protein forms A368fs, A403fs, A408fs, A445fs.
Identifiers: ClinVar variation 955300 (VCV000955300.10), dbSNP rs1941624571, ClinGen allele CA1139661999.
Genomic context (GRCh38, chr11:64,805,177, plus strand): 5'-ATTTGCAGATGCCGTCGTAGAATCGCAGCAGGTGGGCGAAGCACTCAGGGTCCTGGAGGG[CG>C]GAACCTTGGCTCTGGGTGCCCTGGACGAGGGGGAAGGGAGGGCACAGATCAGTCTCTTAC-3'